The following is an entry in ClinVar:

NM_177438.3(DICER1):c.5671A>C (p.Lys1891Gln)

Gene: DICER1 (dicer 1, ribonuclease III; minus strand). Cytogenetic location: 14q32.13.
Variant type: single nucleotide variant.
Coding change: c.5671A>C on transcript NM_177438.3 (MANE Select); coding-DNA position 5671, A replaced by C.
Protein change: p.Lys1891Gln; replaces lysine 1891 with glutamine.
Molecular consequence: missense variant. On other transcripts: 3 prime UTR variant (1), non-coding transcript variant (6).
Genome position (GRCh38, 1-based): chr14:95,090,596, T>G on the plus strand (A>C on the coding strand, the complement: DICER1 is on the minus strand). VCF-style: chr14-95090596-T-G. GRCh37 (hg19) VCF-style: chr14-95556933-T-G.
Other names: c.*18A>C (NM_001195573.1); c.5671A>C, p.Lys1891Gln (NM_001271282.3, NM_001291628.2, NM_001395677.1 and 7 more transcripts); c.5389A>C, p.Lys1797Gln (NM_001395686.1); c.5266A>C, p.Lys1756Gln (NM_001395687.1, NM_001395688.1, NM_001395689.1 and 1 more transcripts); c.5104A>C, p.Lys1702Gln (NM_001395691.1); c.3988A>C, p.Lys1330Gln (NM_001395697.1); short protein forms K1330Q, K1891Q, K1797Q, K1702Q, K1756Q.
Identifiers: ClinVar variation 5035279 (VCV005035279.1).

ClinVar aggregate classification (germline): Uncertain significance (1 of 4 stars; one submission).

Conditions:
Hereditary cancer-predisposing syndrome. Also called: Hereditary Cancer Syndrome; Neoplastic Syndromes, Hereditary; Tumor predisposition; Hereditary neoplastic syndrome. Identifiers: Orphanet 140162, MedGen C0027672, MeSH D009386, MONDO:0015356.

Submission:

Ambry Genetics
Classification: Uncertain significance for Hereditary cancer-predisposing syndrome. Last evaluated: 2026-07-07. Review status: criteria provided, single submitter. Criteria: Ambry Variant Classification Scheme 2023. Collection method: clinical testing. Allele origin: germline.
Comment: The p.K1891Q variant (also known as c.5671A>C), located in coding exon 26 of the DICER1 gene, results from an A to C substitution at nucleotide position 5671. The lysine at codon 1891 is replaced by glutamine, an amino acid with similar properties. This amino acid position is conserved. In addition, the in silico prediction for this alteration is inconclusive. Based on the available evidence, the clinical significance of this variant remains unclear.